The following is an entry in ClinVar:

ClinVar aggregate classification (germline): Uncertain significance (1 of 4 stars; one submission).

Conditions:
Erythrocytosis, familial, 3 (ECYT3). Identifiers: Orphanet 247511, MedGen C1853286, MONDO:0012353, OMIM 609820.

Submission:

Labcorp Genetics (formerly Invitae), Labcorp
Classification: Uncertain significance for Erythrocytosis, familial, 3. Last evaluated: 2025-09-16. Review status: criteria provided, single submitter. Criteria: Invitae Variant Classification Sherloc (09022015). Collection method: clinical testing. Allele origin: germline.
Comment: This sequence change replaces valine, which is neutral and non-polar, with glycine, which is neutral and non-polar, at codon 112 of the EGLN1 protein (p.Val112Gly). This variant is not present in population databases (gnomAD no frequency). This variant has not been reported in the literature in individuals affected with EGLN1-related conditions. An algorithm developed to predict the effect of missense changes on protein structure and function outputs the following: PolyPhen-2: "Benign". The glycine amino acid residue is found in multiple mammalian species, which suggests that this missense change does not adversely affect protein function. In summary, the available evidence is currently insufficient to determine the role of this variant in disease. Therefore, it has been classified as a Variant of Uncertain Significance.

NM_022051.3(EGLN1):c.335T>G (p.Val112Gly)

Gene: EGLN1 (egl-9 family hypoxia inducible factor 1; minus strand). Cytogenetic location: 1q42.2.
Variant type: single nucleotide variant.
Coding change: c.335T>G on transcript NM_022051.3 (MANE Select); coding-DNA position 335, T replaced by G.
Protein change: p.Val112Gly; replaces valine 112 with glycine.
Molecular consequence: missense variant.
Genome position (GRCh38, 1-based): chr1:231,421,554, A>C on the plus strand (T>G on the coding strand, the complement: EGLN1 is on the minus strand). VCF-style: chr1-231421554-A-C. GRCh37 (hg19) VCF-style: chr1-231557300-A-C.
Other names: c.335T>G, p.Val112Gly (NM_001377260.1, NM_001377261.1); short protein forms V112G.
Identifiers: ClinVar variation 4746263 (VCV004746263.1).